The following is an entry in ClinVar:

NM_005035.4(POLRMT):c.3268-3T>C

Gene: POLRMT (RNA polymerase mitochondrial; minus strand). Cytogenetic location: 19p13.3.
Variant type: single nucleotide variant.
Coding change: c.3268-3T>C on transcript NM_005035.4 (MANE Select); 3 bases into the intron before coding-DNA position 3268, T replaced by C.
Molecular consequence: intron variant.
Genome position (GRCh38, 1-based): chr19:618,763, A>G on the plus strand (T>C on the coding strand, the complement: POLRMT is on the minus strand). VCF-style: chr19-618763-A-G. GRCh37 (hg19) VCF-style: chr19-618763-A-G.
Other names: c.3226-3T>C (NM_001407813.1, NM_001407811.1); c.3256-3T>C (NM_001407810.1, NM_001407807.1); c.3259-3T>C (NM_001407809.1, NM_001407806.1); c.3043-3T>C (NM_001407832.1, NM_001407830.1); c.3145-3T>C (NM_001407829.1); c.3190-3T>C (NM_001407815.1, NM_001407814.1); c.3229-3T>C (NM_001407812.1); c.3268-3T>C (NM_001407816.1, NM_001407805.1); and 5 more.
Identifiers: ClinVar variation 3895683 (VCV003895683.1).

ClinVar aggregate classification (germline): Uncertain significance (1 of 4 stars; one submission).

gnomAD v4.1: 3 of 1,597,076 alleles (0.00019%); highest among the groups gnomAD compares: Non-Finnish European, 0.00026%; no homozygotes.

Submission:

Women's Health and Genetics/Laboratory Corporation of America, LabCorp
Classification: Uncertain significance. Last evaluated: 2025-03-12. Review status: criteria provided, single submitter. Criteria: LabCorp Variant Classification Summary - May 2015. Collection method: clinical testing. Allele origin: germline.
Comment: Variant summary: POLRMT c.3268-3T>C alters a non-conserved nucleotide located close to a canonical splice site and therefore could affect mRNA splicing, leading to a significantly altered protein sequence. Consensus agreement among computation tools predict no significant impact on normal splicing. However, these predictions have yet to be confirmed by functional studies. The variant allele was found at a frequency of 1.9e-06 in 1591078 control chromosomes. The available data on variant occurrences in the general population are insufficient to allow any conclusion about variant significance. To our knowledge, no occurrence of c.3268-3T>C in individuals affected with Combined Oxidative Phosphorylation Deficiency 55 and no experimental evidence demonstrating its impact on protein function have been reported. No submitters have cited clinical-significance assessments for this variant to ClinVar. Based on the evidence outlined above, the variant was classified as uncertain significance.